The following is an entry in ClinVar:

NM_032575.3(GLIS2):c.707G>A (p.Arg236His)

Gene: GLIS2 (GLIS family zinc finger 2; plus strand). Cytogenetic location: 16p13.3.
Variant type: single nucleotide variant.
Coding change: c.707G>A on transcript NM_032575.3 (MANE Select); coding-DNA position 707, G replaced by A.
Protein change: p.Arg236His; replaces arginine 236 with histidine.
Molecular consequence: missense variant.
Genome position (GRCh38, 1-based): chr16:4,335,325, G>A. VCF-style: chr16-4335325-G-A. GRCh37 (hg19) VCF-style: chr16-4385326-G-A.
Other names: p.Arg236His; c.707G>A, p.Arg236His (NM_001318918.2); short protein forms R236H.
Identifiers: ClinVar variation 3380368 (VCV003380368.2).

ClinVar aggregate classification (germline): Uncertain significance. Review status: criteria provided, multiple submitters, no conflicts (2 of 4 stars). 2 submissions from 2 submitters: Uncertain significance (2). Last evaluated 2025-05-07.

gnomAD v4.1: 41 of 1,613,716 alleles (0.0025%); highest among the groups gnomAD compares: South Asian, 0.0033%; no homozygotes.

Submissions (2):

Ambry Genetics
Classification: Uncertain significance. Last evaluated: 2025-05-07. Review status: criteria provided, single submitter. Criteria: Ambry Variant Classification Scheme 2023. Collection method: clinical testing. Allele origin: germline.

Mayo Clinic Laboratories, Mayo Clinic
Classification: Uncertain significance. Last evaluated: 2024-03-06. Review status: criteria provided, single submitter. Criteria: ACMG Guidelines, 2015. Collection method: clinical testing. Allele origin: germline. Observed: 1 variant allele.
Comment: PM2